The following is an entry in ClinVar:

NM_001256789.3(CACNA1F):c.5198dup (p.Asn1733fs)

Gene: CACNA1F (calcium voltage-gated channel subunit alpha1 F; minus strand). Cytogenetic location: Xp11.23.
Variant type: Duplication.
Coding change: c.5198dup on transcript NM_001256789.3 (MANE Select); coding-DNA position 5198, one base duplicated (A; older notation c.5198dupA).
Protein change: p.Asn1733fs; shifts the reading frame from asparagine 1733.
Molecular consequence: frameshift variant.
Genome position (GRCh38, 1-based): chrX:49,207,038, T duplicated on the plus strand (A on the coding strand, the reverse complement: CACNA1F is on the minus strand); the first of 4 consecutive T bases (chrX:49,207,038-49,207,041); duplicating any one gives the same sequence. VCF-style (leftmost placement, unchanged base first): chrX-49207037-G-GT. GRCh37 (hg19) VCF-style: chrX-49063498-G-GT.
Other names: c.5036dup, p.Asn1679fs (NM_001256790.3); c.5231dup, p.Asn1744fs (NM_005183.4); short protein forms N1733fs, N1679fs, N1744fs.
Identifiers: ClinVar variation 2114558 (VCV002114558.4), dbSNP rs2520702216, ClinGen allele CA2580101091.

ClinVar aggregate classification (germline): Pathogenic (1 of 4 stars; one submission).

Submission:

Labcorp Genetics (formerly Invitae), Labcorp
Classification: Pathogenic. Last evaluated: 2022-08-16. Review status: criteria provided, single submitter. Criteria: Invitae Variant Classification Sherloc (09022015). Collection method: clinical testing. Allele origin: germline.
Comment: This sequence change creates a premature translational stop signal (p.Asn1744Lysfs*5) in the CACNA1F gene. It is expected to result in an absent or disrupted protein product. Loss-of-function variants in CACNA1F are known to be pathogenic (PMID: 9662399, 11281458, 17525176, 22194652, 24124559, 26992781). This variant is not present in population databases (gnomAD no frequency). This variant has not been reported in the literature in individuals affected with CACNA1F-related conditions. For these reasons, this variant has been classified as Pathogenic.

Literature cited by the submitters: PubMed 9662399; PubMed 11281458; PubMed 17525176; PubMed 22194652; PubMed 24124559; PubMed 26992781.